The following is an entry in ClinVar:

ClinVar aggregate classification (germline): Uncertain significance (1 of 4 stars; one submission).

Conditions:
Hereditary spastic paraplegia 30. Identifiers: Orphanet 101010, MedGen C5235139, MONDO:0012476.
Neuropathy, hereditary sensory, type 2C. Also called: KIF1A-Related HSAN2 (HSAN2C); Hereditary sensory and autonomic neuropathy type IIC. Identifiers: Orphanet 970, MedGen C3280168, MONDO:0013634, OMIM 614213.
Intellectual disability, autosomal dominant 9 (NESCAVS). Also called: KIF1A-Related Neurodevelopmental Disorder; NESCAV SYNDROME. Identifiers: Orphanet 662367, MedGen C5393830, MONDO:0013656, OMIM 614255.

Submission:

Labcorp Genetics (formerly Invitae), Labcorp
Classification: Uncertain significance for Hereditary spastic paraplegia 30; Neuropathy, hereditary sensory, type 2C; Intellectual disability, autosomal dominant 9. Last evaluated: 2021-11-24. Review status: criteria provided, single submitter. Criteria: Invitae Variant Classification Sherloc (09022015). Collection method: clinical testing. Allele origin: germline.
Comment: In summary, the available evidence is currently insufficient to determine the role of this variant in disease. Therefore, it has been classified as a Variant of Uncertain Significance. Algorithms developed to predict the effect of missense changes on protein structure and function (SIFT, PolyPhen-2, Align-GVGD) all suggest that this variant is likely to be tolerated. This variant has not been reported in the literature in individuals affected with KIF1A-related conditions. This variant is not present in population databases (gnomAD no frequency). This sequence change replaces glycine, which is neutral and non-polar, with aspartic acid, which is acidic and polar, at codon 902 of the KIF1A protein (p.Gly902Asp).

NM_001244008.2(KIF1A):c.3008G>A (p.Gly1003Asp)

Gene: KIF1A (kinesin family member 1A; minus strand). Cytogenetic location: 2q37.3.
Variant type: single nucleotide variant.
Coding change: c.3008G>A on transcript NM_001244008.2 (MANE Select); coding-DNA position 3008, G replaced by A.
Protein change: p.Gly1003Asp; replaces glycine 1003 with aspartic acid.
Molecular consequence: missense variant.
Genome position (GRCh38, 1-based): chr2:240,747,291, C>T on the plus strand (G>A on the coding strand, the complement: KIF1A is on the minus strand). VCF-style: chr2-240747291-C-T. GRCh37 (hg19) VCF-style: chr2-241686708-C-T.
Other names: c.2732G>A, p.Gly911Asp (NM_001320705.2, NM_001330289.2, NM_001379638.1); c.2807G>A, p.Gly936Asp (NM_001330290.2, NM_001379634.1, NM_001379635.1 and 1 more transcripts); c.3083G>A, p.Gly1028Asp (NM_001379631.1); c.2957G>A, p.Gly986Asp (NM_001379632.1); c.2981G>A, p.Gly994Asp (NM_001379633.1, NM_001379642.1, NM_001379645.1); c.2705G>A, p.Gly902Asp (NM_001379636.1, NM_001379639.1, NM_001379640.1 and 6 more transcripts); c.2780G>A, p.Gly927Asp (NM_001379637.1, NM_001379648.1); short protein forms G1003D, G936D, G1028D, G927D, G986D, G994D, G902D, G911D.
Identifiers: ClinVar variation 1440634 (VCV001440634.6), dbSNP rs2125802872, ClinGen allele CA351319352.